The following is an entry in ClinVar:

NM_001164665.2(KIAA1549):c.4883A>G (p.Tyr1628Cys)

Gene: KIAA1549 (KIAA1549; minus strand). Cytogenetic location: 7q34.
Variant type: single nucleotide variant.
Coding change: c.4883A>G on transcript NM_001164665.2 (MANE Select); coding-DNA position 4883, A replaced by G.
Protein change: p.Tyr1628Cys; replaces tyrosine 1628 with cysteine.
Molecular consequence: missense variant.
Genome position (GRCh38, 1-based): chr7:138,868,021, T>C on the plus strand (A>G on the coding strand, the complement: KIAA1549 is on the minus strand). VCF-style: chr7-138868021-T-C. GRCh37 (hg19) VCF-style: chr7-138552767-T-C.
Other names: c.4883A>G, p.Tyr1628Cys (NM_020910.3); short protein forms Y1628C.
Identifiers: ClinVar variation 2013248 (VCV002013248.4), dbSNP rs2485474010, ClinGen allele CA369397449.
Genomic context (GRCh38, chr7:138,868,021, plus strand): 5'-TCGGTGGCACGCACTGGGCATCCGATGTAGGCTGAGTTGTGGACGCCGGGGGGCCTCCTG[T>C]AGGTGCCATCGCTGTCTGTGGTGATGAGCCGGTCCTTCTCAGCGTCGGCAGGACAGCCGT-3'
Protein context (NP_001158137.1, residues 1618-1638): RLITTDSDGT[Tyr1628Cys]RRPPGVHNSA

ClinVar aggregate classification (germline): Uncertain significance (1 of 4 stars; one submission).

Submission:

Labcorp Genetics (formerly Invitae), Labcorp
Classification: Uncertain significance. Last evaluated: 2022-01-06. Review status: criteria provided, single submitter. Criteria: Invitae Variant Classification Sherloc (09022015). Collection method: clinical testing. Allele origin: germline.
Comment: Algorithms developed to predict the effect of missense changes on protein structure and function (SIFT, PolyPhen-2, Align-GVGD) all suggest that this variant is likely to be disruptive. In summary, the available evidence is currently insufficient to determine the role of this variant in disease. Therefore, it has been classified as a Variant of Uncertain Significance. This variant has not been reported in the literature in individuals affected with KIAA1549-related conditions. This variant is not present in population databases (gnomAD no frequency). This sequence change replaces tyrosine, which is neutral and polar, with cysteine, which is neutral and slightly polar, at codon 1628 of the KIAA1549 protein (p.Tyr1628Cys).